The following is an entry in ClinVar:

NM_017654.4(SAMD9):c.320G>T (p.Arg107Ile)

Gene: SAMD9 (sterile alpha motif domain containing 9; minus strand). Cytogenetic location: 7q21.2.
Variant type: single nucleotide variant.
Coding change: c.320G>T on transcript NM_017654.4 (MANE Select); coding-DNA position 320, G replaced by T.
Protein change: p.Arg107Ile; replaces arginine 107 with isoleucine.
Molecular consequence: missense variant.
Genome position (GRCh38, 1-based): chr7:93,105,778, C>A on the plus strand (G>T on the coding strand, the complement: SAMD9 is on the minus strand). VCF-style: chr7-93105778-C-A. GRCh37 (hg19) VCF-style: chr7-92735091-C-A.
Other names: c.320G>T, p.Arg107Ile (NM_001193307.2); short protein forms R107I.
Identifiers: ClinVar variation 4159144 (VCV004159144.1).

ClinVar aggregate classification (germline): Uncertain significance (1 of 4 stars; one submission).

Conditions:
Inborn genetic diseases. Identifiers: MedGen C0950123, MeSH D030342.

Submission:

Ambry Genetics
Classification: Uncertain significance for Inborn genetic diseases. Last evaluated: 2025-08-10. Review status: criteria provided, single submitter. Criteria: Ambry Variant Classification Scheme 2023. Collection method: clinical testing. Allele origin: germline.
Comment: The p.R107I variant (also known as c.320G>T), located in coding exon 1 of the SAMD9 gene, results from a G to T substitution at nucleotide position 320. The arginine at codon 107 is replaced by isoleucine, an amino acid with similar properties. This amino acid position is conserved. In addition, this alteration is predicted to be tolerated by in silico analysis. Based on the available evidence, the clinical significance of this variant remains unclear.